The following is an entry in ClinVar:

ClinVar aggregate classification (germline): Pathogenic. Review status: criteria provided, multiple submitters, no conflicts (2 of 4 stars). 2 submissions from 2 submitters: Pathogenic (2). Last evaluated 2024-08-17.

Conditions:
Hereditary cancer-predisposing syndrome. Also called: Neoplastic Syndromes, Hereditary; Hereditary neoplastic syndrome; Tumor predisposition; Hereditary Cancer Syndrome. Identifiers: Orphanet 140162, MedGen C0027672, MeSH D009386, MONDO:0015356.
Cardiovascular phenotype. Identifiers: MedGen CN230736.
Neurofibromatosis, type 1 (NF1). Also called: Neurofibromatosis, type I; NEUROFIBROMATOSIS, TYPE I, SOMATIC; VON RECKLINGHAUSEN DISEASE; Peripheral type neurofibromatosis. Identifiers: Orphanet 636, MedGen C0027831, MONDO:0018975, OMIM 162200. Disease mechanism: loss of function.

Submissions (2):

Ambry Genetics
Classification: Pathogenic for Cardiovascular phenotype; Hereditary cancer-predisposing syndrome. Last evaluated: 2024-08-17. Review status: criteria provided, single submitter. Criteria: Ambry Variant Classification Scheme 2023. Collection method: clinical testing. Allele origin: germline.
Comment: The c.3323delC variant, located in coding exon 26 of the NF1 gene, results from a deletion of one nucleotide at nucleotide position 3323, causing a translational frameshift with a predicted alternate stop codon (p.T1108Nfs*4). This variant is considered to be rare based on population cohorts in the Genome Aggregation Database (gnomAD). This alteration is expected to result in loss of function by premature protein truncation or nonsense-mediated mRNA decay. As such, this alteration is interpreted as a disease-causing mutation.

Mendelics
Classification: Pathogenic for Neurofibromatosis, type 1. Last evaluated: 2022-05-04. Review status: criteria provided, single submitter. Criteria: Mendelics Assertion Criteria 2019. Collection method: clinical testing. Allele origin: germline.

NM_001042492.3(NF1):c.3323del (p.Thr1108fs)

Gene: NF1 (neurofibromin 1; plus strand). Cytogenetic location: 17q11.2.
Variant type: Deletion.
Coding change: c.3323del on transcript NM_001042492.3 (MANE Select); coding-DNA position 3323, one base deleted (C; older notation c.3323delC).
Protein change: p.Thr1108fs; shifts the reading frame from threonine 1108.
Molecular consequence: frameshift variant.
Genome position (GRCh38, 1-based): chr17:31,232,708, C deleted. VCF-style (leftmost placement, unchanged base first): chr17-31232707-AC-A. GRCh37 (hg19) VCF-style: chr17-29559725-AC-A.
Other names: c.3323delC, p.Thr1108Asnfs (NM_000267.4); c.3323delC (NM_000267.3); short protein forms T1108fs.
Identifiers: ClinVar variation 1685976 (VCV001685976.2), dbSNP rs2151434456, ClinGen allele CA2573153342.